The following is an entry in ClinVar:

ClinVar aggregate classification (germline): Uncertain significance (1 of 4 stars; one submission).

Submission:

GeneDx
Classification: Uncertain significance. Last evaluated: 2026-06-03. Review status: criteria provided, single submitter. Criteria: GeneDx Variant Classification Process June 2021. Collection method: clinical testing. Allele origin: germline.
Comment: Not observed at significant frequency in large population cohorts (gnomAD); In-frame duplication of 1 amino acid in a non-repeat region; Has not been previously published as pathogenic or benign to our knowledge

NM_001470.4(GABBR1):c.855_857dup (p.Thr286_His287insThr)

Gene: GABBR1 (gamma-aminobutyric acid type B receptor subunit 1; minus strand). Cytogenetic location: 6p22.1.
Variant type: Duplication.
Coding change: c.855_857dup on transcript NM_001470.4 (MANE Select); coding-DNA positions 855 to 857, 3 bases duplicated (AAC; older notation c.855_857dupAAC).
Protein change: p.Thr286_His287insThr.
Molecular consequence: inframe insertion.
Genome position (GRCh38, 1-based): chr6:29,623,411-29,623,413, GTT duplicated on the plus strand (AAC on the coding strand, the reverse complement: GABBR1 is on the minus strand). VCF-style (leftmost placement, unchanged base first): chr6-29623410-C-CGTT. GRCh37 (hg19) VCF-style: chr6-29591187-C-CGTT.
Other names: c.324_326dup, p.Thr109_His110insThr (NM_001319053.2); c.504_506dup, p.Thr169_His170insThr (NM_021903.3); c.669_671dup, p.Thr224_His225insThr (NM_021904.4).
Identifiers: ClinVar variation 4282259 (VCV004282259.2).